The following is an entry in ClinVar:

ClinVar aggregate classification (germline): Uncertain significance (1 of 4 stars; one submission).

Conditions:
Hereditary cancer-predisposing syndrome. Also called: Neoplastic Syndromes, Hereditary; Tumor predisposition; Hereditary Cancer Syndrome; Hereditary neoplastic syndrome. Identifiers: Orphanet 140162, MedGen C0027672, MeSH D009386, MONDO:0015356.

Submission:

Ambry Genetics
Classification: Uncertain significance for Hereditary cancer-predisposing syndrome. Last evaluated: 2020-10-03. Review status: criteria provided, single submitter. Criteria: Ambry Variant Classification Scheme 2023. Collection method: clinical testing. Allele origin: germline.
Comment: The p.H1287P variant (also known as c.3860A>C), located in coding exon 23 of the PTCH1 gene, results from an A to C substitution at nucleotide position 3860. The histidine at codon 1287 is replaced by proline, an amino acid with similar properties. This amino acid position is not well conserved in available vertebrate species. In addition, this alteration is predicted to be tolerated by in silico analysis. Since supporting evidence is limited at this time, the clinical significance of this alteration remains unclear.

NM_000264.5(PTCH1):c.3860A>C (p.His1287Pro)

Gene: PTCH1 (patched 1; minus strand). Cytogenetic location: 9q22.32.
Variant type: single nucleotide variant.
Coding change: c.3860A>C on transcript NM_000264.5 (MANE Select); coding-DNA position 3860, A replaced by C.
Protein change: p.His1287Pro; replaces histidine 1287 with proline.
Molecular consequence: missense variant. On other transcripts: non-coding transcript variant (1).
Genome position (GRCh38, 1-based): chr9:95,447,396, T>G on the plus strand (A>C on the coding strand, the complement: PTCH1 is on the minus strand). VCF-style: chr9-95447396-T-G. GRCh37 (hg19) VCF-style: chr9-98209678-T-G.
Other names: c.3662A>C, p.His1221Pro (NM_001083602.3); c.3857A>C, p.His1286Pro (NM_001083603.3); c.3407A>C, p.His1136Pro (NM_001083604.3, NM_001083605.3, NM_001083606.3 and 1 more transcripts); c.3704A>C, p.His1235Pro (NM_001354918.2); short protein forms H1287P, H1221P, H1235P, H1136P, H1286P.
Identifiers: ClinVar variation 1735604 (VCV001735604.2), dbSNP rs2538002822, ClinGen allele CA374110774.